The following is an entry in ClinVar:

ClinVar aggregate classification (germline): Uncertain significance. Review status: criteria provided, multiple submitters, no conflicts (2 of 4 stars). 2 submissions from 2 submitters: Uncertain significance (2). Last evaluated 2026-01-13.

Allele frequency attached by ClinVar (database versions not stated): ExAC 0.00002; gnomAD exomes 0.00004; gnomAD 0.00007 and 0.00008; TOPMed 0.00007.
gnomAD v4.1: 78 of 1,613,564 alleles (0.0048%); highest among the groups gnomAD compares: Middle Eastern, 0.2%; no homozygotes.

Submissions (2):

Labcorp Genetics (formerly Invitae), Labcorp
Classification: Uncertain significance. Last evaluated: 2026-01-13. Review status: criteria provided, single submitter. Criteria: Invitae Variant Classification Sherloc (09022015). Collection method: clinical testing. Allele origin: germline.
Comment: This sequence change replaces isoleucine, which is neutral and non-polar, with methionine, which is neutral and non-polar, at codon 1066 of the ITGAM protein (p.Ile1066Met). This variant is present in population databases (rs766849693, gnomAD 0.01%). This variant has not been reported in the literature in individuals affected with ITGAM-related conditions. ClinVar contains an entry for this variant (Variation ID: 1432096). An algorithm developed to predict the effect of missense changes on protein structure and function (PolyPhen-2) suggests that this variant is likely to be tolerated. In summary, the available evidence is currently insufficient to determine the role of this variant in disease. Therefore, it has been classified as a Variant of Uncertain Significance.

Breakthrough Genomics
Classification: Uncertain significance. Review status: criteria provided, single submitter. Criteria: ACMG Guidelines, 2015. Collection method: not provided. Allele origin: germline. Inheritance: Unknown mechanism. Affected: yes.

NM_000632.4(ITGAM):c.3198C>G (p.Ile1066Met)

Gene: ITGAM (integrin subunit alpha M; plus strand). Cytogenetic location: 16p11.2.
Variant type: single nucleotide variant.
Coding change: c.3198C>G on transcript NM_000632.4 (MANE Select); coding-DNA position 3198, C replaced by G.
Protein change: p.Ile1066Met; replaces isoleucine 1066 with methionine.
Molecular consequence: missense variant.
Genome position (GRCh38, 1-based): chr16:31,330,527, C>G. VCF-style: chr16-31330527-C-G. GRCh37 (hg19) VCF-style: chr16-31341848-C-G.
Other names: c.3201C>G, p.Ile1067Met (NM_001145808.2); short protein forms I1066M, I1067M.
Identifiers: ClinVar variation 1432096 (VCV001432096.9), dbSNP rs766849693, ClinGen allele CA8026117.